The following is an entry in ClinVar:

NM_006623.4(PHGDH):c.659del (p.Asn220fs)

Gene: PHGDH (phosphoglycerate dehydrogenase; plus strand). Cytogenetic location: 1p12.
Variant type: Deletion.
Coding change: c.659del on transcript NM_006623.4 (MANE Select); coding-DNA position 659, one base deleted (A; older notation c.659delA).
Protein change: p.Asn220fs; shifts the reading frame from asparagine 220.
Molecular consequence: frameshift variant.
Genome position (GRCh38, 1-based): chr1:119,735,310, A deleted; the last of 2 consecutive A bases (chr1:119,735,309-119,735,310); deleting either gives the same sequence. VCF-style (leftmost placement, unchanged base first): chr1-119735308-CA-C. GRCh37 (hg19) VCF-style: chr1-120277931-CA-C.
Other names: short protein forms N220fs.
Identifiers: ClinVar variation 4884287 (VCV004884287.2).
Genomic context (GRCh38, chr1:119,735,308, plus strand): 5'-GGGATCCTGGTGCTGCCCCAGCAGGAAGATGCTTCGCTTTCTTCCAGGCTTGCTGAATGA[CA>C]ACACCTTTGCCCAGTGCAAGAAGGGGGTGCGTGTGGTGAACTGTGCCCGTGGAGGGATCG-3'

ClinVar aggregate classification (germline): Likely pathogenic (1 of 4 stars; one submission).

Submission:

Dasa
Classification: Likely pathogenic. Last evaluated: 2024-10-18. Review status: criteria provided, single submitter. Criteria: DASA Assertion Criteria. Collection method: clinical testing. Allele origin: germline.
Comment: NM_006623.4(PHGDH):c.659del (p.Asn220Thrfs*13) is a frameshift variant in PHGDH predicted to alter the reading frame and introduce a premature termination codon and is predicted to result in an absent or altered protein product. Loss of function is an established disease mechanism for PHGDH-associated disorders. Also, this variant is absent from population databases. Based on the currently available evidence, this variant is classified as likely pathogenic.